The following is an entry in ClinVar:

NM_198525.3(KIF7):c.3777C>G (p.Pro1259=)

Gene: KIF7 (kinesin family member 7; minus strand). Cytogenetic location: 15q26.1.
Variant type: single nucleotide variant.
Coding change: c.3777C>G on transcript NM_198525.3 (MANE Select); coding-DNA position 3777, C replaced by G.
Protein change: p.Pro1259=; no amino-acid change (proline 1259 retained).
Molecular consequence: synonymous variant.
Genome position (GRCh38, 1-based): chr15:89,628,674, G>C on the plus strand (C>G on the coding strand, the complement: KIF7 is on the minus strand). VCF-style: chr15-89628674-G-C. GRCh37 (hg19) VCF-style: chr15-90171905-G-C.
Identifiers: ClinVar variation 4534485 (VCV004534485.7).
Genomic context (GRCh38, chr15:89,628,674, plus strand): 5'-GCGTTTCCAGGTCAAGGGTAACGGAGCGTGGACCAAGTCCCGCGTCTCCTCCCGGGTGCG[G>C]GGGGCCCCCTCAGTGAGGGGGGACAGCCAGAGAAGCTCGGGTGCCAGGTGGAGCTCATCT-3'
Protein context (NP_940927.2, residues 1249-1269): LWLSPLTEGA[Pro1259=]RTREETRDLV

ClinVar aggregate classification (germline): Likely benign. Review status: criteria provided, multiple submitters, no conflicts (2 of 4 stars). 2 submissions from 2 submitters: Likely benign (2). Last evaluated 2025-11-01.

gnomAD v4.1: 1 of 1,613,032 alleles (0.000062%); highest among the groups gnomAD compares: Non-Finnish European, 0.000085%; no homozygotes.

Submissions (2):

CeGaT Center for Human Genetics Tuebingen
Classification: Likely benign. Last evaluated: 2025-11-01. Review status: criteria provided, single submitter. Criteria: CeGaT Center For Human Genetics Tuebingen Variant Classification Criteria Version 2. Collection method: clinical testing. Allele origin: germline. Affected: yes. Observed: 1 variant allele.
Comment: KIF7: BP4, BP7

Blueprint Genetics
Classification: Likely benign. Last evaluated: 2022-11-30. Review status: criteria provided, single submitter. Criteria: ACMG Guidelines, 2015. Collection method: clinical testing. Allele origin: germline.